The following is an entry in ClinVar:

NM_014739.3(BCLAF1):c.1008C>A (p.Phe336Leu)

Gene: BCLAF1 (BCL2 associated transcription factor 1; minus strand). Cytogenetic location: 6q23.3.
Variant type: single nucleotide variant.
Coding change: c.1008C>A on transcript NM_014739.3 (MANE Select); coding-DNA position 1008, C replaced by A.
Protein change: p.Phe336Leu; replaces phenylalanine 336 with leucine.
Molecular consequence: missense variant. On other transcripts: non-coding transcript variant (7).
Genome position (GRCh38, 1-based): chr6:136,277,873, G>T on the plus strand (C>A on the coding strand, the complement: BCLAF1 is on the minus strand). VCF-style: chr6-136277873-G-T. GRCh37 (hg19) VCF-style: chr6-136599011-G-T.
Other names: c.1002C>A, p.Phe334Leu (NM_001077440.3, NM_001301038.3, NM_001386696.1 and 2 more transcripts); c.1008C>A, p.Phe336Leu (NM_001077441.3, NM_001363659.3, NM_001386693.1 and 8 more transcripts); short protein forms F336L, F334L.
Identifiers: ClinVar variation 1790090 (VCV001790090.2), dbSNP rs2483182714, ClinGen allele CA365756073.

ClinVar aggregate classification (germline): Uncertain significance (1 of 4 stars; one submission).

Submission:

Ambry Genetics
Classification: Uncertain significance. Last evaluated: 2021-12-10. Review status: criteria provided, single submitter. Criteria: Ambry Variant Classification Scheme 2023. Collection method: clinical testing. Allele origin: germline.
Comment: The p.F336L variant (also known as c.1008C>A), located in coding exon 2 of the BCLAF1 gene, results from a C to A substitution at nucleotide position 1008. The phenylalanine at codon 336 is replaced by leucine, an amino acid with highly similar properties. This amino acid position is conserved. In addition, this alteration is predicted to be tolerated by in silico analysis. Since supporting evidence is limited at this time, the clinical significance of this alteration remains unclear.